The following is an entry in ClinVar:

ClinVar aggregate classification (germline): Uncertain significance (1 of 4 stars; one submission).

Conditions:
Inborn genetic diseases. Identifiers: MedGen C0950123, MeSH D030342.

Submission:

Ambry Genetics
Classification: Uncertain significance for Inborn genetic diseases. Last evaluated: 2024-04-19. Review status: criteria provided, single submitter. Criteria: Ambry Variant Classification Scheme 2023. Collection method: clinical testing. Allele origin: germline.
Comment: The p.M1119T variant (also known as c.3356T>C), located in coding exon 16 of the ATR gene, results from a T to C substitution at nucleotide position 3356. The methionine at codon 1119 is replaced by threonine, an amino acid with similar properties. This amino acid position is conserved. In addition, this alteration is predicted to be deleterious by in silico analysis. Based on the available evidence, the clinical significance of this variant remains unclear.

NM_001184.4(ATR):c.3356T>C (p.Met1119Thr)

Gene: ATR (ATR serine/threonine kinase; minus strand). Cytogenetic location: 3q23.
Variant type: single nucleotide variant.
Coding change: c.3356T>C on transcript NM_001184.4 (MANE Select); coding-DNA position 3356, T replaced by C.
Protein change: p.Met1119Thr; replaces methionine 1119 with threonine.
Molecular consequence: missense variant.
Genome position (GRCh38, 1-based): chr3:142,547,726, A>G on the plus strand (T>C on the coding strand, the complement: ATR is on the minus strand). VCF-style: chr3-142547726-A-G. GRCh37 (hg19) VCF-style: chr3-142266568-A-G.
Other names: c.3164T>C, p.Met1055Thr (NM_001354579.2); short protein forms M1119T, M1055T.
Identifiers: ClinVar variation 3331610 (VCV003331610.1).